The following is an entry in ClinVar:

ClinVar aggregate classification (germline): Uncertain significance (1 of 4 stars; one submission).

Conditions:
Atrial fibrillation, familial, 18 (ATFB18). Identifiers: MedGen C4310636, MONDO:0015001, OMIM 617280.

gnomAD v4.1: 2 of 1,613,912 alleles (0.00012%); highest among the groups gnomAD compares: African/African-American, 0.0027%; no homozygotes.

Submission:

Labcorp Genetics (formerly Invitae), Labcorp
Classification: Uncertain significance for Atrial fibrillation, familial, 18. Last evaluated: 2025-04-11. Review status: criteria provided, single submitter. Criteria: Invitae Variant Classification Sherloc (09022015). Collection method: clinical testing. Allele origin: germline.
Comment: This sequence change replaces proline, which is neutral and non-polar, with histidine, which is basic and polar, at codon 118 of the MYL4 protein (p.Pro118His). This variant is present in population databases (no rsID available, gnomAD 0.01%). This variant has not been reported in the literature in individuals affected with MYL4-related conditions. ClinVar contains an entry for this variant (Variation ID: 2912229). An algorithm developed to predict the effect of missense changes on protein structure and function (PolyPhen-2) suggests that this variant is likely to be disruptive. In summary, the available evidence is currently insufficient to determine the role of this variant in disease. Therefore, it has been classified as a Variant of Uncertain Significance.

NM_002476.2(MYL4):c.353C>A (p.Pro118His)

Gene: MYL4 (myosin light chain 4; plus strand). Cytogenetic location: 17q21.32.
Variant type: single nucleotide variant.
Coding change: c.353C>A on transcript NM_002476.2 (MANE Select); coding-DNA position 353, C replaced by A.
Protein change: p.Pro118His; replaces proline 118 with histidine.
Molecular consequence: missense variant.
Genome position (GRCh38, 1-based): chr17:47,221,721, C>A. VCF-style: chr17-47221721-C-A. GRCh37 (hg19) VCF-style: chr17-45299087-C-A.
Other names: c.353C>A, p.Pro118His (NM_001002841.2); short protein forms P118H.
Identifiers: ClinVar variation 2912229 (VCV002912229.3), dbSNP rs537576399, ClinGen allele CA291225725.